The following is an entry in ClinVar:

NM_001358530.2(MOCS1):c.*378G>A

Gene: MOCS1 (molybdenum cofactor synthesis 1; minus strand). Cytogenetic location: 6p21.2.
Variant type: single nucleotide variant.
Coding change: c.*378G>A on transcript NM_001358530.2 (MANE Select); 378 bases downstream of the stop codon, G replaced by A.
Molecular consequence: 3 prime UTR variant. On other transcripts: non-coding transcript variant (1).
Genome position (GRCh38, 1-based): chr6:39,905,979, C>T on the plus strand (G>A on the coding strand, the complement: MOCS1 is on the minus strand). VCF-style: chr6-39905979-C-T. GRCh37 (hg19) VCF-style: chr6-39873755-C-T.
Other names: c.*1146G>A (NM_001075098.4, NM_001358533.2, NM_001358534.2 and 1 more transcripts); c.*378G>A (NM_001358529.2, NM_001358531.2).
Identifiers: ClinVar variation 356635 (VCV000356635.5), dbSNP rs11968529, ClinGen allele CA3795763.

ClinVar aggregate classification (germline): Benign (1 of 4 stars; one submission).

Conditions:
Sulfite oxidase deficiency due to molybdenum cofactor deficiency type A. Also called: Molybdenum Cofactor Deficiency A; Molybdenum cofactor deficiency, complementation group A. Identifiers: Orphanet 308386, Orphanet 833, MedGen C1854988, MONDO:0009643, OMIM 252150.

Allele frequency attached by ClinVar (database versions not stated): ExAC 0.01060; gnomAD exomes 0.01606 and 0.01952; gnomAD 0.04277 and 0.04433; 1000 Genomes Project 30x 0.04450; 1000 Genomes Project 0.04573; TOPMed 0.04806.
gnomAD v4.1: 11,704 of 473,954 alleles (2.5%); highest among the groups gnomAD compares: African/African-American, 11%; 394 homozygotes.

Submission:

Illumina Laboratory Services, Illumina
Classification: Benign for Sulfite oxidase deficiency due to molybdenum cofactor deficiency type A. Last evaluated: 2018-01-13. Review status: criteria provided, single submitter. Criteria: ICSL Variant Classification Criteria 13 December 2019. Collection method: clinical testing. Allele origin: germline.
Comment: This variant was observed in the ICSL laboratory as part of a predisposition screen in an ostensibly healthy population. It had not been previously curated by ICSL or reported in the Human Gene Mutation Database (HGMD: prior to June 1st, 2018), and was therefore a candidate for classification through an automated scoring system. Utilizing variant allele frequency, disease prevalence and penetrance estimates, and inheritance mode, an automated score was calculated to assess if this variant is too frequent to cause the disease. Based on the score and internal cut-off values, a variant classified as benign is not then subjected to further curation. The score for this variant resulted in a classification of benign for this disease.